The following is an entry in ClinVar:

NM_000548.5(TSC2):c.1312A>G (p.Lys438Glu)

Gene: TSC2 (TSC complex subunit 2; plus strand). Cytogenetic location: 16p13.3.
Variant type: single nucleotide variant.
Coding change: c.1312A>G on transcript NM_000548.5 (MANE Select); coding-DNA position 1312, A replaced by G.
Protein change: p.Lys438Glu; replaces lysine 438 with glutamic acid.
Molecular consequence: missense variant. On other transcripts: 5 prime UTR variant (10), non-coding transcript variant (5).
Genome position (GRCh38, 1-based): chr16:2,062,551, A>G. VCF-style: chr16-2062551-A-G. GRCh37 (hg19) VCF-style: chr16-2112552-A-G.
Other names: c.1312A>G, p.Lys438Glu (NM_001077183.3, NM_001114382.3, NM_001363528.2 and 6 more transcripts); c.1201A>G, p.Lys401Glu (NM_001318827.2, NM_001406670.1, NM_001406678.1); c.1165A>G, p.Lys389Glu (NM_001318829.2, NM_001406675.1, NM_001406676.1 and 1 more transcripts); c.712A>G, p.Lys238Glu (NM_001318831.2, NM_001406682.1, NM_001406683.1 and 6 more transcripts); c.1345A>G, p.Lys449Glu (NM_001318832.2); c.1402A>G, p.Lys468Glu (NM_001406667.1, NM_001406668.1); c.-33A>G (NM_001406689.1, NM_001406690.1, NM_001406691.1 and 6 more transcripts); c.1300A>G, p.Lys434Glu (NM_001406671.1, NM_001406673.1); and 3 more; short protein forms K238E, K284E, K389E, K401E, K419E, K434E, K438E, K449E.
Identifiers: ClinVar variation 4756289 (VCV004756289.1).
Genomic context (GRCh38, chr16:2,062,551, plus strand): 5'-TGACAGGAGTCCTCCCTCCTGAACCTGATCTCCTATAGAGCGCAGTCCATCCACCCGGCC[A>G]AGGACGGCTGGATTCAGAACCTGCAGGCGCTGATGGAGAGATTCTTCAGGTAGGGGGTCC-3'
Protein context (NP_000539.2, residues 428-448): SYRAQSIHPA[Lys438Glu]DGWIQNLQAL

ClinVar aggregate classification (germline): Uncertain significance (1 of 4 stars; one submission).

Conditions:
Tuberous sclerosis syndrome (TSC). Also called: Tuberous Sclerosis Complex; Tuberous sclerosis. Identifiers: Orphanet 805, MedGen C0041341, MONDO:0001734.

Submission:

Color Diagnostics, LLC DBA Color Health
Classification: Uncertain significance for Tuberous sclerosis syndrome. Last evaluated: 2025-08-11. Review status: criteria provided, single submitter. Criteria: ACMG Guidelines, 2015. Collection method: clinical testing. Allele origin: germline.
Comment: This missense variant replaces lysine with glutamic acid at codon 438 of the TSC2 protein. Computational prediction is inconclusive regarding the impact of this variant on protein structure and function. To our knowledge, functional studies have not been reported for this variant. This variant has not been reported in individuals affected with TSC2-related disorders in the literature. This variant has not been identified in the general population by the Genome Aggregation Database (gnomAD). The available evidence is insufficient to determine the role of this variant in disease conclusively. Therefore, this variant is classified as a Variant of Uncertain Significance.